The following is an entry in ClinVar:

ClinVar aggregate classification (germline): Likely benign. Review status: criteria provided, multiple submitters, no conflicts (2 of 4 stars). 2 submissions from 2 submitters: Likely benign (2). Last evaluated 2024-09-13.

Conditions:
Hereditary diffuse gastric adenocarcinoma (HDGC). Also called: DIFFUSE GASTRIC AND LOBULAR BREAST CANCER SYNDROME. Identifiers: Orphanet 26106, MedGen C1708349, MONDO:0007648, OMIM 137215.

gnomAD v4.1: 1 of 1,614,190 alleles (0.000062%); highest among the groups gnomAD compares: South Asian, 0.0011%; no homozygotes.

Submissions (2):

Myriad Genetics, Inc.
Classification: Likely benign for Hereditary diffuse gastric adenocarcinoma. Last evaluated: 2024-09-13. Review status: criteria provided, single submitter. Criteria: Myriad Autosomal Dominant, Autosomal Recessive and X-Linked Classification Criteria (2023). Collection method: clinical testing. Allele origin: unknown.
Comment: This variant is considered likely benign. This variant is intronic and is not expected to impact mRNA splicing.

Labcorp Genetics (formerly Invitae), Labcorp
Classification: Likely benign for Hereditary diffuse gastric adenocarcinoma. Last evaluated: 2020-09-15. Review status: criteria provided, single submitter. Criteria: Invitae Variant Classification Sherloc (09022015). Collection method: clinical testing. Allele origin: germline.

NM_004360.5(CDH1):c.531+8A>G

Gene: CDH1 (cadherin 1; plus strand). Cytogenetic location: 16q22.1.
Variant type: single nucleotide variant.
Coding change: c.531+8A>G on transcript NM_004360.5 (MANE Select); 8 bases into the intron after coding-DNA position 531, A replaced by G.
Molecular consequence: intron variant.
Genome position (GRCh38, 1-based): chr16:68,808,575, A>G. VCF-style: chr16-68808575-A-G. GRCh37 (hg19) VCF-style: chr16-68842478-A-G.
Other names: c.-1085+8A>G (NM_001317185.2); c.-1289+8A>G (NM_001317186.2); c.531+8A>G (NM_001317184.2).
Identifiers: ClinVar variation 1105886 (VCV001105886.10), dbSNP rs2152129854, ClinGen allele CA2499223641.